The following is an entry in ClinVar:

ClinVar aggregate classification (germline): Conflicting classifications of pathogenicity. Review status: criteria provided, conflicting classifications (1 of 4 stars). 5 submissions from 5 submitters: Uncertain significance (2); Likely benign (2). 1 of the submissions does not count toward it. Last evaluated 2026-09-01.

Conditions:
RAD51B-related disorder. Also called: RAD51B-related condition.
Hereditary cancer-predisposing syndrome. Also called: Hereditary Cancer Syndrome; Neoplastic Syndromes, Hereditary; Tumor predisposition; Hereditary neoplastic syndrome. Identifiers: Orphanet 140162, MedGen C0027672, MeSH D009386, MONDO:0015356.

Allele frequency attached by ClinVar (database versions not stated): 1000 Genomes Project 30x 0.00141; gnomAD exomes 0.00297 and 0.00389; TOPMed 0.00312; 1000 Genomes Project 0.00160; gnomAD 0.00305 and 0.00322; ESP Exome Variant Server 0.00252; ExAC 0.00457.
gnomAD v4.1: 5,165 of 1,364,372 alleles (0.38%); highest among the groups gnomAD compares: Non-Finnish European, 0.43%; 16 homozygotes.

Submissions (5):

CeGaT Center for Human Genetics Tuebingen
Classification: Likely benign. Last evaluated: 2026-09-01. Review status: criteria provided, single submitter. Criteria: CeGaT Center For Human Genetics Tuebingen Variant Classification Criteria Version 2. Collection method: clinical testing. Allele origin: germline. Affected: yes. Observed: 1 variant allele.
Comment: RAD51B: BP4, BS2

Mayo Clinic Laboratories, Mayo Clinic
Classification: Uncertain significance. Last evaluated: 2025-12-03. Review status: criteria provided, single submitter. Criteria: ACMG Guidelines, 2015. Collection method: clinical testing. Allele origin: germline. Observed: 2 variant alleles.
Comment: BP4_moderate

GeneKor MSA
Classification: Uncertain significance for Hereditary cancer-predisposing syndrome. Last evaluated: 2018-08-01. Review status: criteria provided, single submitter. Criteria: ACMG Guidelines, 2015. Collection method: clinical testing. Allele origin: germline. Affected: yes.

Labcorp Genetics (formerly Invitae), Labcorp
Classification: Likely benign. Last evaluated: 2018-02-25. Review status: criteria provided, single submitter. Criteria: Invitae Variant Classification Sherloc (09022015). Collection method: clinical testing. Allele origin: germline.

PreventionGenetics, part of Exact Sciences
Classification: Likely benign for RAD51B-related condition. Last evaluated: 2019-07-23. Review status: no assertion criteria provided. Collection method: clinical testing. Allele origin: germline. Not counted in ClinVar's aggregate classification.
Comment: This variant is classified as likely benign based on ACMG/AMP sequence variant interpretation guidelines (Richards et al. 2015 PMID: 25741868, with internal and published modifications).

Literature cited by the submitters: PubMed 29371908 (cited by Mayo Clinic Laboratories, Mayo Clinic); PubMed 31159747 (cited by Mayo Clinic Laboratories, Mayo Clinic).

NM_133509.5(RAD51B):c.1063G>A (p.Ala355Thr)

Gene: RAD51B (RAD51 paralog B; plus strand). Cytogenetic location: 14q24.1.
Variant type: single nucleotide variant.
Coding change: c.1063G>A on transcript NM_133509.5; coding-DNA position 1063, G replaced by A.
Protein change: p.Ala355Thr; replaces alanine 355 with threonine.
Molecular consequence: missense variant. On other transcripts: intron variant (5).
Genome position (GRCh38, 1-based): chr14:68,594,511, G>A. VCF-style: chr14-68594511-G-A. GRCh37 (hg19) VCF-style: chr14-69061228-G-A.
Other names: p.Ala355Thr; c.1037-88426G>A (NM_001321818.2); c.1037-8152G>A (NM_001321809.2, NM_001321810.2); c.1037-16495G>A (NM_001321821.2); c.923-16647G>A (NM_001321815.1); short protein forms A355T.
Identifiers: ClinVar variation 584551 (VCV000584551.9), dbSNP rs61758785, ClinGen allele CA7241419.
Genomic context (GRCh38, chr14:68,594,511, plus strand): 5'-GACTTTGACTTCCTTTTTTTTCTCTCTCTCTTAGAGACAACATTTTGCTCTGTCACCCAA[G>A]CTGAACTGAACTGGGCTCCAGAAATCCTCCCACCTCAGCCTCCTGAGCAGCTAGGACTAC-3'